The following is an entry in ClinVar:

NM_138348.6(OTULIN):c.566A>C (p.Lys189Thr)

Gene: OTULIN (OTU deubiquitinase with linear linkage specificity; plus strand). Cytogenetic location: 5p15.2.
Variant type: single nucleotide variant.
Coding change: c.566A>C on transcript NM_138348.6 (MANE Select); coding-DNA position 566, A replaced by C.
Protein change: p.Lys189Thr; replaces lysine 189 with threonine.
Molecular consequence: missense variant.
Genome position (GRCh38, 1-based): chr5:14,687,618, A>C. VCF-style: chr5-14687618-A-C. GRCh37 (hg19) VCF-style: chr5-14687727-A-C.
Other names: short protein forms K189T.
Identifiers: ClinVar variation 1476055 (VCV001476055.5), dbSNP rs775399166, ClinGen allele CA3208639.

ClinVar aggregate classification (germline): Uncertain significance (1 of 4 stars; one submission).

Allele frequency attached by ClinVar (database versions not stated): gnomAD exomes 0.00001; ExAC 0.00002.
gnomAD v4.1: 12 of 1,614,020 alleles (0.00074%); highest among the groups gnomAD compares: South Asian, 0.013%; 1 homozygote.

Submission:

Labcorp Genetics (formerly Invitae), Labcorp
Classification: Uncertain significance. Last evaluated: 2022-07-05. Review status: criteria provided, single submitter. Criteria: Invitae Variant Classification Sherloc (09022015). Collection method: clinical testing. Allele origin: germline.
Comment: This sequence change replaces lysine, which is basic and polar, with threonine, which is neutral and polar, at codon 189 of the OTULIN protein (p.Lys189Thr). This variant is present in population databases (rs775399166, gnomAD 0.01%). This variant has not been reported in the literature in individuals affected with OTULIN-related conditions. ClinVar contains an entry for this variant (Variation ID: 1476055). Algorithms developed to predict the effect of missense changes on protein structure and function output the following: SIFT: "Deleterious"; PolyPhen-2: "Benign"; Align-GVGD: "Class C65". The threonine amino acid residue is found in multiple mammalian species, which suggests that this missense change does not adversely affect protein function. In summary, the available evidence is currently insufficient to determine the role of this variant in disease. Therefore, it has been classified as a Variant of Uncertain Significance.